The following is an entry in ClinVar:

NM_000257.4(MYH7):c.5524A>G (p.Lys1842Glu)

Gene: MYH7 (myosin heavy chain 7; minus strand). Cytogenetic location: 14q11.2.
Variant type: single nucleotide variant.
Coding change: c.5524A>G on transcript NM_000257.4 (MANE Select); coding-DNA position 5524, A replaced by G.
Protein change: p.Lys1842Glu; replaces lysine 1842 with glutamic acid.
Molecular consequence: missense variant.
Genome position (GRCh38, 1-based): chr14:23,415,030, T>C on the plus strand (A>G on the coding strand, the complement: MYH7 is on the minus strand). VCF-style: chr14-23415030-T-C. GRCh37 (hg19) VCF-style: chr14-23884239-T-C.
Other names: short protein forms K1842E.
Identifiers: ClinVar variation 1478785 (VCV001478785.6), dbSNP rs2138637999, ClinGen allele CA389035070.

ClinVar aggregate classification (germline): Uncertain significance (1 of 4 stars; one submission).

Conditions:
Hypertrophic cardiomyopathy. Also called: HYPERTROPHIC MYOCARDIOPATHY. Identifiers: Orphanet 217569, MedGen C0007194, MeSH D002312, MONDO:0005045, HP:0001639.

Submission:

Labcorp Genetics (formerly Invitae), Labcorp
Classification: Uncertain significance for Hypertrophic cardiomyopathy. Last evaluated: 2022-08-09. Review status: criteria provided, single submitter. Criteria: Invitae Variant Classification Sherloc (09022015). Collection method: clinical testing. Allele origin: germline.
Comment: This sequence change replaces lysine, which is basic and polar, with glutamic acid, which is acidic and polar, at codon 1842 of the MYH7 protein (p.Lys1842Glu). This variant is not present in population databases (gnomAD no frequency). In summary, the available evidence is currently insufficient to determine the role of this variant in disease. Therefore, it has been classified as a Variant of Uncertain Significance. Algorithms developed to predict the effect of missense changes on protein structure and function are either unavailable or do not agree on the potential impact of this missense change (SIFT: "Deleterious"; PolyPhen-2: "Probably Damaging"; Align-GVGD: "Class C0"). ClinVar contains an entry for this variant (Variation ID: 1478785). This variant has not been reported in the literature in individuals affected with MYH7-related conditions.